The following is an entry in ClinVar:

NM_003074.4(SMARCC1):c.3137G>C (p.Ser1046Thr)

Gene: SMARCC1 (SWI/SNF related BAF chromatin remodeling complex subunit C1; minus strand). Cytogenetic location: 3p21.31.
Variant type: single nucleotide variant.
Coding change: c.3137G>C on transcript NM_003074.4 (MANE Select); coding-DNA position 3137, G replaced by C.
Protein change: p.Ser1046Thr; replaces serine 1046 with threonine.
Molecular consequence: missense variant.
Genome position (GRCh38, 1-based): chr3:47,590,744, C>G on the plus strand (G>C on the coding strand, the complement: SMARCC1 is on the minus strand). VCF-style: chr3-47590744-C-G. GRCh37 (hg19) VCF-style: chr3-47632234-C-G.
Other names: short protein forms S1046T.
Identifiers: ClinVar variation 4873624 (VCV004873624.2).

ClinVar aggregate classification (germline): Uncertain significance (1 of 4 stars; one submission).

gnomAD v4.1: 7 of 1,603,374 alleles (0.00044%); highest among the groups gnomAD compares: Non-Finnish European, 0.00051%; no homozygotes.

Submission:

CeGaT Center for Human Genetics Tuebingen
Classification: Uncertain significance. Last evaluated: 2026-05-01. Review status: criteria provided, single submitter. Criteria: CeGaT Center For Human Genetics Tuebingen Variant Classification Criteria Version 2. Collection method: clinical testing. Allele origin: germline. Affected: yes. Observed: 1 variant allele.
Comment: SMARCC1: PM2, BP4